The following is an entry in ClinVar:

ClinVar aggregate classification (germline): Uncertain significance (1 of 4 stars; one submission).

gnomAD v4.1: 4 of 1,364,186 alleles (0.00029%); highest among the groups gnomAD compares: Non-Finnish European, 0.00037%; no homozygotes.

Submission:

Labcorp Genetics (formerly Invitae), Labcorp
Classification: Uncertain significance. Last evaluated: 2024-09-30. Review status: criteria provided, single submitter. Criteria: Invitae Variant Classification Sherloc (09022015). Collection method: clinical testing. Allele origin: germline.
Comment: This sequence change replaces proline, which is neutral and non-polar, with serine, which is neutral and polar, at codon 107 of the DMRT2 protein (p.Pro107Ser). This variant is not present in population databases (gnomAD no frequency). This variant has not been reported in the literature in individuals affected with DMRT2-related conditions. An algorithm developed to predict the effect of missense changes on protein structure and function (PolyPhen-2) suggests that this variant is likely to be tolerated. In summary, the available evidence is currently insufficient to determine the role of this variant in disease. Therefore, it has been classified as a Variant of Uncertain Significance.

NM_181872.6(DMRT2):c.319C>T (p.Pro107Ser)

Gene: DMRT2 (doublesex and mab-3 related transcription factor 2; plus strand). Cytogenetic location: 9p24.3.
Variant type: single nucleotide variant.
Coding change: c.319C>T on transcript NM_181872.6 (MANE Select); coding-DNA position 319, C replaced by T.
Protein change: p.Pro107Ser; replaces proline 107 with serine.
Molecular consequence: missense variant. On other transcripts: 5 prime UTR variant (1), non-coding transcript variant (1).
Genome position (GRCh38, 1-based): chr9:1,051,932, C>T. VCF-style: chr9-1051932-C-T. GRCh37 (hg19) VCF-style: chr9-1051932-C-T.
Other names: c.319C>T, p.Pro107Ser (NM_001370531.1, NM_001370533.1, NM_001387557.1 and 4 more transcripts); c.-332C>T (NM_001370532.1); short protein forms P107S.
Identifiers: ClinVar variation 3621821 (VCV003621821.2).
Genomic context (GRCh38, chr9:1,051,932, plus strand): 5'-AGGCCGCCGCTCGCGCCTCAGGCCTCACCCGCCGGCACCGGTCCCCGAGAGCGCTGCACT[C>T]CCGCGGGCGGCGGCGCGGAGCCGCGCAAGCTGAGCCGCACGCCCAAGTGCGCGCGCTGCC-3'
Protein context (NP_870987.2, residues 97-117): AGTGPRERCT[Pro107Ser]AGGGAEPRKL